The following is an entry in ClinVar:

ClinVar aggregate classification (germline): Uncertain significance. Review status: criteria provided, multiple submitters, no conflicts (2 of 4 stars). 2 submissions from 2 submitters: Uncertain significance (2). Last evaluated 2023-12-11.

Conditions:
Inborn genetic diseases. Identifiers: MedGen C0950123, MeSH D030342.
Congenital disorder of glycosylation, type Ii. Also called: CDG Ii; ALG2-CDG; ALG2-congenital disorder of glycosylation. Identifiers: Orphanet 79326, MedGen C1842836, MONDO:0011933, OMIM 607906.
Congenital myasthenic syndrome 14. Also called: Myasthenic syndrome, congenital, 14, with tubular aggregates. Identifiers: Orphanet 353327, Orphanet 590, MedGen C4015597, MONDO:0014543, OMIM 616228.

Allele frequency attached by ClinVar (database versions not stated): gnomAD exomes below 0.00001; TOPMed 0.00001; ExAC 0.00002.

Submissions (2):

Ambry Genetics
Classification: Uncertain significance for Inborn genetic diseases. Last evaluated: 2023-12-11. Review status: criteria provided, single submitter. Criteria: Ambry Variant Classification Scheme 2023. Collection method: clinical testing. Allele origin: germline.

Labcorp Genetics (formerly Invitae), Labcorp
Classification: Uncertain significance for Congenital disorder of glycosylation, type Ii; Congenital myasthenic syndrome 14. Last evaluated: 2022-07-17. Review status: criteria provided, single submitter. Criteria: Invitae Variant Classification Sherloc (09022015). Collection method: clinical testing. Allele origin: germline.
Comment: This sequence change replaces cysteine, which is neutral and slightly polar, with tyrosine, which is neutral and polar, at codon 120 of the ALG2 protein (p.Cys120Tyr). This variant is present in population databases (rs759256130, gnomAD 0.02%). This variant has not been reported in the literature in individuals affected with ALG2-related conditions. Algorithms developed to predict the effect of missense changes on protein structure and function are either unavailable or do not agree on the potential impact of this missense change (SIFT: "Deleterious"; PolyPhen-2: "Possibly Damaging"; Align-GVGD: "Class C15"). In summary, the available evidence is currently insufficient to determine the role of this variant in disease. Therefore, it has been classified as a Variant of Uncertain Significance.

NM_033087.4(ALG2):c.359G>A (p.Cys120Tyr)

Gene: ALG2 (ALG2 alpha-1,3/1,6-mannosyltransferase; minus strand). Cytogenetic location: 9q22.33.
Variant type: single nucleotide variant.
Coding change: c.359G>A on transcript NM_033087.4 (MANE Select); coding-DNA position 359, G replaced by A.
Protein change: p.Cys120Tyr; replaces cysteine 120 with tyrosine.
Molecular consequence: missense variant. On other transcripts: non-coding transcript variant (1).
Genome position (GRCh38, 1-based): chr9:99,218,826, C>T on the plus strand (G>A on the coding strand, the complement: ALG2 is on the minus strand). VCF-style: chr9-99218826-C-T. GRCh37 (hg19) VCF-style: chr9-101981108-C-T.
Other names: c.359G>A (NM_033087.3); short protein forms C120Y.
Identifiers: ClinVar variation 1979617 (VCV001979617.2), dbSNP rs759256130, ClinGen allele CA5156340.
Genomic context (GRCh38, chr9:99,218,826, plus strand): 5'-GGGAAGTGACAGTAAAATAGGATCTTCTTCCGCCGTCTAGCCAGCCTGAACACTGGGATA[C>T]AGGCAGACACCTAGCCAAAGCAAAAATCAACAGCGGATAAAGTGGTCAACTCAACTTCAA-3'
Protein context (NP_149078.1, residues 110-130): DVVVCDQVSA[Cys120Tyr]IPVFRLARRR